The following is an entry in ClinVar:

ClinVar aggregate classification (germline): Benign. Review status: criteria provided, multiple submitters, no conflicts (2 of 4 stars). 2 submissions from 2 submitters: Benign (2). Last evaluated 2018-06-14.

Allele frequency attached by ClinVar (database versions not stated): gnomAD exomes 0.00156 and 0.00424; ExAC 0.00540; 1000 Genomes Project 0.01438; 1000 Genomes Project 30x 0.01452; gnomAD 0.01603 and 0.01731; TOPMed 0.01806; ESP Exome Variant Server 0.01945.
gnomAD v4.1: 4,809 of 1,609,762 alleles (0.3%); highest among the groups gnomAD compares: African/African-American, 5.6%; 142 homozygotes.

Submissions (2):

GeneDx
Classification: Benign. Last evaluated: 2018-06-14. Review status: criteria provided, single submitter. Criteria: GeneDx Variant Classification (06012015). Collection method: clinical testing. Allele origin: germline. Affected: yes.
Comment: This variant is considered likely benign or benign based on one or more of the following criteria: it is a conservative change, it occurs at a poorly conserved position in the protein, it is predicted to be benign by multiple in silico algorithms, and/or has population frequency not consistent with disease.

Breakthrough Genomics
Classification: Benign. Review status: criteria provided, single submitter. Criteria: ACMG Guidelines, 2015. Collection method: not provided. Allele origin: germline. Inheritance: Autosomal dominant inheritance. Affected: yes.

NM_001070.5(TUBG1):c.399+34A>G

Gene: TUBG1 (tubulin gamma 1; plus strand). Cytogenetic location: 17q21.2.
Variant type: single nucleotide variant.
Coding change: c.399+34A>G on transcript NM_001070.5 (MANE Select); 34 bases into the intron after coding-DNA position 399, A replaced by G.
Molecular consequence: intron variant.
Genome position (GRCh38, 1-based): chr17:42,612,177, A>G. VCF-style: chr17-42612177-A-G. GRCh37 (hg19) VCF-style: chr17-40764195-A-G.
Identifiers: ClinVar variation 676975 (VCV000676975.2), dbSNP rs112809304, ClinGen allele CA8579849.